The following is an entry in ClinVar:

ClinVar aggregate classification (germline): Uncertain significance (1 of 4 stars; one submission).

Conditions:
Adams-Oliver syndrome 5 (AOS5). Identifiers: Orphanet 974, MedGen C4014970, MONDO:0014459, OMIM 616028.

Submission:

3billion
Classification: Uncertain significance for Adams-Oliver syndrome 5. Last evaluated: 2023-10-20. Review status: criteria provided, single submitter. Criteria: ACMG Guidelines, 2015. Collection method: clinical testing. Allele origin: germline. Affected: yes.
Comment: The variant is not observed in the gnomAD v2.1.1 dataset. Predicted Consequence/Location: Missense changes are a common disease-causing mechanism. Therefore, this variant is classified as VUS according to the recommendation of ACMG/AMP guideline.

NM_017617.5(NOTCH1):c.1170C>A (p.Asn390Lys)

Gene: NOTCH1 (notch receptor 1; minus strand). Cytogenetic location: 9q34.3.
Variant type: single nucleotide variant.
Coding change: c.1170C>A on transcript NM_017617.5 (MANE Select); coding-DNA position 1170, C replaced by A.
Protein change: p.Asn390Lys; replaces asparagine 390 with lysine.
Molecular consequence: missense variant.
Genome position (GRCh38, 1-based): chr9:136,518,222, G>T on the plus strand (C>A on the coding strand, the complement: NOTCH1 is on the minus strand). VCF-style: chr9-136518222-G-T. GRCh37 (hg19) VCF-style: chr9-139412674-G-T.
Other names: short protein forms N390K.
Identifiers: ClinVar variation 3776265 (VCV003776265.1).
Genomic context (GRCh38, chr9:136,518,222, plus strand): 5'-GCTGCAGGCCGGGCCCGTGTACCCCGAGGGGCAGGTGCAGATGGCCTTGCCATTGACAGG[G>T]TTGGTGTCGCAGTTGGAGCCCTCGTTACAGGGGTTGCTGATGCATGCGTCGTTGAGGTGG-3'
Protein context (NP_060087.3, residues 380-400): PCNEGSNCDT[Asn390Lys]PVNGKAICTC